The following is an entry in ClinVar:

NM_032590.5(KDM2B):c.3005_3023del (p.Asn1002fs)

Gene: KDM2B (lysine demethylase 2B; minus strand). Cytogenetic location: 12q24.31.
Variant type: Deletion.
Coding change: c.3005_3023del on transcript NM_032590.5 (MANE Select); coding-DNA positions 3005 to 3023, 19 bases deleted (ACGGCACCCCCCGGGAGCT).
Protein change: p.Asn1002fs; shifts the reading frame from asparagine 1002.
Molecular consequence: frameshift variant.
Genome position (GRCh38, 1-based): chr12:121,442,418-121,442,436, AGCTCCCGGGGGGTGCCGT deleted on the plus strand (ACGGCACCCCCCGGGAGCT on the coding strand, the reverse complement: KDM2B is on the minus strand). VCF-style (leftmost placement, unchanged base first): chr12-121442417-CAGCTCCCGGGGGGTGCCGT-C. GRCh37 (hg19) VCF-style: chr12-121880220-CAGCTCCCGGGGGGTGCCGT-C.
Other names: c.2798_2816del, p.Asn933fs (NM_001005366.2); c.3101_3119del, p.Asn1034fs (NM_001439014.1, NM_001439015.1); c.3083_3101del, p.Asn1028fs (NM_001439016.1); c.3005_3023del, p.Asn1002fs (NM_001439017.1, NM_001439018.1); c.2990_3008del, p.Asn997fs (NM_001439020.1); c.2972_2990del, p.Asn991fs (NM_001439021.1); c.2942_2960del, p.Asn981fs (NM_001439022.1, NM_001439023.1); c.2912_2930del, p.Asn971fs (NM_001439025.1, NM_001439026.1); and 3 more; short protein forms N1002fs, N1028fs, N1034fs, N442fs, N933fs, N943fs, N965fs, N971fs.
Identifiers: ClinVar variation 4529677 (VCV004529677.1).

ClinVar aggregate classification (germline): Pathogenic (1 of 4 stars; one submission).

Submission:

GeneDx
Classification: Pathogenic. Last evaluated: 2025-05-16. Review status: criteria provided, single submitter. Criteria: GeneDx Variant Classification Process June 2021. Collection method: clinical testing. Allele origin: germline. Affected: yes.
Comment: Not observed at significant frequency in large population cohorts (gnomAD); Frameshift variant predicted to result in protein truncation or nonsense mediated decay in a gene for which loss of function is a known mechanism of disease; This variant is associated with the following publications: (PMID: 36322151)